The following is an entry in ClinVar:

ClinVar aggregate classification (germline): Likely benign. Review status: criteria provided, multiple submitters, no conflicts (2 of 4 stars). 5 submissions from 5 submitters: Likely benign (5). Last evaluated 2023-08-15.

Conditions:
Hereditary cancer-predisposing syndrome. Also called: Tumor predisposition; Hereditary Cancer Syndrome; Hereditary neoplastic syndrome; Neoplastic Syndromes, Hereditary. Identifiers: Orphanet 140162, MedGen C0027672, MeSH D009386, MONDO:0015356.
Hereditary breast ovarian cancer syndrome. Also called: Breast and ovarian cancer; Hereditary breast and/or ovarian cancer syndrome; BRCA1- and BRCA2-Associated Hereditary Breast and Ovarian Cancer; Hereditary breast and ovarian cancer syndrome; Hereditary breast and ovarian cancer syndrome (HBOC); Hereditary breast and ovarian cancer. Identifiers: Orphanet 145, MedGen C0677776, MeSH D061325, MONDO:0003582. Disease mechanism: loss of function.
Breast-ovarian cancer, familial, susceptibility to, 1 (BROVCA1). Also called: BRCA1 Hereditary Breast and Ovarian Cancer; OVARIAN CANCER, SUSCEPTIBILITY TO. Identifiers: Orphanet 145, MedGen C2676676, MONDO:0011450, OMIM 604370. Disease mechanism: loss of function.

Allele frequency attached by ClinVar (database versions not stated): gnomAD exomes below 0.00001.
gnomAD v4.1: 1 of 1,614,164 alleles (0.000062%); highest among the groups gnomAD compares: South Asian, 0.0011%; no homozygotes.

Submissions (5):

All of Us Research Program, National Institutes of Health
Classification: Likely benign for Breast-ovarian cancer, familial, susceptibility to, 1. Last evaluated: 2023-08-15. Review status: criteria provided, single submitter. Criteria: ACMG Guidelines, 2015. Collection method: clinical testing. Allele origin: germline. Inheritance: Autosomal dominant inheritance. Observed: 1 variant allele, 1 heterozygote.
Comment: This study involves interpretation of variants in research participants for the purpose of population health screening. Participant phenotype was not available at the time of variant classification. Additional details can be found in publication PMID: 35346344, PMCID: PMC8962531

Labcorp Genetics (formerly Invitae), Labcorp
Classification: Likely benign for Hereditary breast ovarian cancer syndrome. Last evaluated: 2022-07-26. Review status: criteria provided, single submitter. Criteria: Invitae Variant Classification Sherloc (09022015). Collection method: clinical testing. Allele origin: germline.

Ambry Genetics
Classification: Likely benign for Hereditary cancer-predisposing syndrome. Last evaluated: 2020-01-22. Review status: criteria provided, single submitter. Criteria: Ambry Variant Classification Scheme 2023. Collection method: clinical testing. Allele origin: germline.

Color Diagnostics, LLC DBA Color Health
Classification: Likely benign for Hereditary cancer-predisposing syndrome. Last evaluated: 2018-09-25. Review status: criteria provided, single submitter. Criteria: ACMG Guidelines, 2015. Collection method: clinical testing. Allele origin: germline.

GeneDx
Classification: Likely benign. Last evaluated: 2017-12-07. Review status: criteria provided, single submitter. Criteria: GeneDx Variant Classification (06012015). Collection method: clinical testing. Allele origin: germline. Affected: yes.
Comment: This variant is considered likely benign or benign based on one or more of the following criteria: it is a conservative change, it occurs at a poorly conserved position in the protein, it is predicted to be benign by multiple in silico algorithms, and/or has population frequency not consistent with disease.

NM_007294.4(BRCA1):c.4335A>C (p.Pro1445=)

Gene: BRCA1 (BRCA1 DNA repair associated; minus strand). Cytogenetic location: 17q21.31.
Variant type: single nucleotide variant.
Coding change: c.4335A>C on transcript NM_007294.4 (MANE Select); coding-DNA position 4335, A replaced by C.
Protein change: p.Pro1445=; no amino-acid change (proline 1445 retained).
Molecular consequence: synonymous variant.
Genome position (GRCh38, 1-based): chr17:43,082,426, T>G on the plus strand (A>C on the coding strand, the complement: BRCA1 is on the minus strand). VCF-style: chr17-43082426-T-G. GRCh37 (hg19) VCF-style: chr17-41234443-T-G.
Other names: c.4122A>C, p.Pro1374= (NM_001407571.1, NM_001407853.1, NM_001407894.1 and 12 more transcripts); c.4335A>C, p.Pro1445= (NM_001407581.1, NM_001407582.1, NM_001407583.1 and 23 more transcripts); c.4332A>C, p.Pro1444= (NM_001407587.1, NM_001407590.1, NM_001407591.1 and 21 more transcripts); c.4329A>C, p.Pro1443= (NM_001407627.1, NM_001407628.1, NM_001407629.1 and 5 more transcripts); c.4323A>C, p.Pro1441= (NM_001407646.1, NM_001407647.1); c.4212A>C, p.Pro1404= (NM_001407648.1, NM_001407664.1, NM_001407665.1 and 13 more transcripts); c.4209A>C, p.Pro1403= (NM_001407649.1, NM_001407670.1, NM_001407671.1 and 12 more transcripts); c.4257A>C, p.Pro1419= (NM_001407653.1, NM_001407654.1, NM_001407655.1 and 2 more transcripts); and 51 more.
Identifiers: ClinVar variation 514061 (VCV000514061.12), dbSNP rs1555584033, ClinGen allele CA500148355.